The following is an entry in ClinVar:

ClinVar aggregate classification (germline): Likely pathogenic. Review status: criteria provided, multiple submitters, no conflicts (2 of 4 stars). 2 submissions from 2 submitters: Likely pathogenic (2). Last evaluated 2019-05-23.

Conditions:
Capillary malformation-arteriovenous malformation 2 (CMAVM2). Identifiers: Orphanet 693912, MedGen C4748670, MONDO:0020785, OMIM 618196.

Allele frequency attached by ClinVar (database versions not stated): gnomAD exomes below 0.00001.
gnomAD v4.1: 1 of 1,542,098 alleles (0.000065%); no homozygotes.

Submissions (2):

ARUP Laboratories, Molecular Genetics and Genomics, ARUP Laboratories
Classification: Likely pathogenic. Last evaluated: 2019-05-23. Review status: criteria provided, single submitter. Criteria: ARUP Molecular Germline Variant Investigation Process. Collection method: clinical testing. Allele origin: germline.
Comment: The EPHB4 c.2533T>C; p.Cys845Arg variant is reported in the literature in an individual with capillary malformation-arteriovenous malformation (CM-AVM) and functional analyses show this variant leads to proteosomal degradation of the protein (Amyere 2017). This variant is absent from general population databases (Exome Variant Server, Genome Aggregation Database), indicating it is not a common polymorphism. The cysteine at codon 845 is highly a highly conserved residue in the protein kinase domain, and computational analyses (SIFT, PolyPhen-2) predict that this variant is deleterious. Based on available information, this variant is considered to be likely pathogenic. REFERENCES Amyere M et al. Germline Loss-of-Function Mutations in EPHB4 Cause a Second Form of Capillary Malformation-Arteriovenous Malformation (CM-AVM2) Deregulating RAS-MAPK Signaling. Circulation. 2017 Sep 12;136(11):1037-1048.

SIB Swiss Institute of Bioinformatics
Classification: Likely pathogenic for Capillary malformation-arteriovenous malformation 2. Last evaluated: 2019-03-29. Review status: criteria provided, single submitter. Criteria: ACMG Guidelines, 2015. Collection method: curation. Allele origin: unknown.
Comment: This variant is interpreted as a Likely pathogenic for Capillary malformation-arteriovenous malformation 2. The following ACMG Tag(s) were applied: PM2: Absent from controls (or at extremely low frequency if recessive) in Exome Sequencing Project, 1000 Genomes Project, or Exome Aggregation Consortium. PM1: Located in a mutational hot spot and/or critical and well-established functional domain (e.g.,active site of an enzyme) without benign variation. PP3: Multiple lines of computational evidence support a deleterious effect on the gene or gene product. PS3: Well-established functional studies show a deleterious effect.

Literature cited by the submitters: PubMed 28687708 (cited by SIB Swiss Institute of Bioinformatics).

NM_004444.5(EPHB4):c.2533T>C (p.Cys845Arg)

Genes: EPHB4 (EPH receptor B4; minus strand), LOC126860124 (CDK7 strongly-dependent group 2 enhancer GRCh37_chr7:100403701-100404900; plus strand). Cytogenetic location: 7q22.1.
Variant type: single nucleotide variant.
Coding change: c.2533T>C on transcript NM_004444.5 (MANE Select); coding-DNA position 2533, T replaced by C.
Protein change: p.Cys845Arg; replaces cysteine 845 with arginine.
Molecular consequence: missense variant.
Genome position (GRCh38, 1-based): chr7:100,805,646, A>G on the plus strand (T>C on the coding strand, the complement: EPHB4 is on the minus strand). VCF-style: chr7-100805646-A-G. GRCh37 (hg19) VCF-style: chr7-100403268-A-G.
Other names: short protein forms C845R.
Identifiers: ClinVar variation 691533 (VCV000691533.9), dbSNP rs1584653054, ClinGen allele CA368567095.
Genomic context (GRCh38, chr7:100,805,646, plus strand): 5'-GCCGGGCATTCCGGTCTTTCTGCCAACAGTCCAGCATGAGCTGGTGGAGGGAGGTGGGAC[A>G]GTCTGGGGGCGGGGGCAGCCGGTAGTCCTGTTCAATGGCATTGATCACCTGGAAAGAGGG-3'
Protein context (NP_004435.3, residues 835-855): QDYRLPPPPD[Cys845Arg]PTSLHQLMLD